The following is an entry in ClinVar:

NM_001999.4(FBN2):c.3149C>T (p.Thr1050Met)

Genes: FBN2 (fibrillin 2; minus strand), LOC126807501 (BRD4-independent group 4 enhancer GRCh37_chr5:127680731-127681930; plus strand). Cytogenetic location: 5q23.3.
Variant type: single nucleotide variant.
Coding change: c.3149C>T on transcript NM_001999.4 (MANE Select); coding-DNA position 3149, C replaced by T.
Protein change: p.Thr1050Met; replaces threonine 1050 with methionine.
Molecular consequence: missense variant.
Genome position (GRCh38, 1-based): chr5:128,345,425, G>A on the plus strand (C>T on the coding strand, the complement: FBN2 is on the minus strand). VCF-style: chr5-128345425-G-A. GRCh37 (hg19) VCF-style: chr5-127681117-G-A.
Other names: short protein forms T1050M.
Identifiers: ClinVar variation 213300 (VCV000213300.11), dbSNP rs150506063, ClinGen allele CA324330.
Genomic context (GRCh38, chr5:128,345,425, plus strand): 5'-AATGGCCGCCCAGTAAGAACATCCCCTCGGTTAGCAAAGCCAGCCCCGCGGGGGCACAGC[G>A]TCTCGTATTCCTTGGTGCCAGGTTTGGGGCACTCCTCACACTCGGTGCCCCAAGCCGCCC-3'
Protein context (NP_001990.2, residues 1040-1060): CPKPGTKEYE[Thr1050Met]LCPRGAGFAN

ClinVar aggregate classification (germline): Conflicting classifications of pathogenicity. Review status: criteria provided, conflicting classifications (1 of 4 stars). 4 submissions from 4 submitters: Uncertain significance (3); Likely benign (1). Last evaluated 2025-05-18.

Conditions:
Connective tissue disorder. Also called: Connective tissue disease. Identifiers: MedGen C0009782, MONDO:0003900.
FBN2-related disorder. Also called: FBN2-related condition.
Congenital contractural arachnodactyly (CCA). Also called: BEALS SYNDROME; Beals-Hecht syndrome; Arthrogryposis, distal, type 9. Identifiers: Orphanet 115, MedGen C0220668, MONDO:0007363, OMIM 121050.

Allele frequency attached by ClinVar (database versions not stated): gnomAD exomes 0.00001 and 0.00004; TOPMed 0.00003; gnomAD 0.00005; ExAC 0.00006; ESP Exome Variant Server 0.00015; 1000 Genomes Project 0.00020; 1000 Genomes Project 30x 0.00031.

Submissions (4):

Labcorp Genetics (formerly Invitae), Labcorp
Classification: Likely benign for Congenital contractural arachnodactyly. Last evaluated: 2025-05-18. Review status: criteria provided, single submitter. Criteria: Invitae Variant Classification Sherloc (09022015). Collection method: clinical testing. Allele origin: germline.

PreventionGenetics, part of Exact Sciences
Classification: Uncertain significance for FBN2-related condition. Last evaluated: 2025-04-17. Review status: criteria provided, single submitter. Criteria: ACMG Guidelines, 2015. Collection method: clinical testing. Allele origin: germline.
Comment: The FBN2 c.3149C>T variant is predicted to result in the amino acid substitution p.Thr1050Met. To our knowledge, this variant has not been reported in the literature. This variant is reported in 0.016% of alleles in individuals of African descent in gnomAD, which may to be too common to be a primary cause of disease. Although we suspect this variant may be benign, at this time, the clinical significance of this variant is uncertain due to the absence of conclusive functional and genetic evidence.

GeneDx
Classification: Uncertain significance. Last evaluated: 2019-11-19. Review status: criteria provided, single submitter. Criteria: GeneDx Variant Classification Process June 2021. Collection method: clinical testing. Allele origin: germline. Affected: yes.
Comment: In silico analysis, which includes protein predictors and evolutionary conservation, supports that this variant does not alter protein structure/function; Has not been previously published as pathogenic or benign to our knowledge

Genome Diagnostics Laboratory, The Hospital for Sick Children
Classification: Uncertain significance for Connective tissue disorder. Last evaluated: 2019-11-01. Review status: criteria provided, single submitter. Criteria: ACMG Guidelines, 2015. Collection method: clinical testing. Allele origin: germline.